The following is an entry in ClinVar:

NM_000051.4(ATM):c.665A>G (p.Gln222Arg)

Gene: ATM (ATM serine/threonine kinase; plus strand). Cytogenetic location: 11q22.3.
Variant type: single nucleotide variant.
Coding change: c.665A>G on transcript NM_000051.4 (MANE Select); coding-DNA position 665, A replaced by G.
Protein change: p.Gln222Arg; replaces glutamine 222 with arginine.
Molecular consequence: missense variant.
Genome position (GRCh38, 1-based): chr11:108,244,790, A>G. VCF-style: chr11-108244790-A-G. GRCh37 (hg19) VCF-style: chr11-108115517-A-G.
Other names: c.665A>G, p.Gln222Arg (NM_001351834.2); short protein forms Q222R.
Identifiers: ClinVar variation 3019761 (VCV003019761.4), dbSNP rs1565370993, ClinGen allele CA382528919.

ClinVar aggregate classification (germline): Conflicting classifications of pathogenicity. Review status: criteria provided, conflicting classifications (1 of 4 stars). 2 submissions from 2 submitters: Uncertain significance (1); Likely benign (1). Last evaluated 2026-02-02.

Conditions:
Ataxia-telangiectasia syndrome (AT). Also called: Ataxia telangiectasia (A-T); Immunodeficiency with ataxia telangiectasia; LOUIS-BAR SYNDROME; Cerebello-oculocutaneous telangiectasia; ATAXIA-TELANGIECTASIA, COMPLEMENTATION GROUP A; ATAXIA-TELANGIECTASIA, FRESNO VARIANT. Identifiers: Orphanet 100, MedGen C0004135, MONDO:0008840, OMIM 208900.
Hereditary cancer-predisposing syndrome. Also called: Neoplastic Syndromes, Hereditary; Tumor predisposition; Hereditary Cancer Syndrome; Hereditary neoplastic syndrome. Identifiers: Orphanet 140162, MedGen C0027672, MeSH D009386, MONDO:0015356.

Submissions (2):

Ambry Genetics
Classification: Likely benign for Hereditary cancer-predisposing syndrome. Last evaluated: 2026-02-02. Review status: criteria provided, single submitter. Criteria: Ambry Variant Classification Scheme 2023. Collection method: clinical testing. Allele origin: germline.

Labcorp Genetics (formerly Invitae), Labcorp
Classification: Uncertain significance for Ataxia-telangiectasia syndrome. Last evaluated: 2023-03-29. Review status: criteria provided, single submitter. Criteria: Invitae Variant Classification Sherloc (09022015). Collection method: clinical testing. Allele origin: germline.
Comment: This sequence change replaces glutamine, which is neutral and polar, with arginine, which is basic and polar, at codon 222 of the ATM protein (p.Gln222Arg). This variant is not present in population databases (gnomAD no frequency). In summary, the available evidence is currently insufficient to determine the role of this variant in disease. Therefore, it has been classified as a Variant of Uncertain Significance. An algorithm developed to predict the effect of missense changes on protein structure and function (PolyPhen-2) suggests that this variant is likely to be tolerated. This variant has not been reported in the literature in individuals affected with ATM-related conditions.